The following is an entry in ClinVar:

NM_000080.4(CHRNE):c.355C>T (p.Gln119Ter)

Genes: C17orf107 (chromosome 17 open reading frame 107; plus strand), CHRNE (cholinergic receptor nicotinic epsilon subunit; minus strand). Cytogenetic location: 17p13.2.
Variant type: single nucleotide variant.
Coding change: c.355C>T on transcript NM_000080.4 (MANE Select); coding-DNA position 355, C replaced by T.
Protein change: p.Gln119Ter; replaces glutamine 119 with a stop codon.
Molecular consequence: nonsense. On other transcripts: 3 prime UTR variant (1).
Genome position (GRCh38, 1-based): chr17:4,902,077, G>A on the plus strand (C>T on the coding strand, the complement: CHRNE is on the minus strand). VCF-style: chr17-4902077-G-A. GRCh37 (hg19) VCF-style: chr17-4805372-G-A.
Other names: c.*1544G>A (NM_001145536.2); c.355C>T (NM_000080.3); short protein forms Q119*.
Identifiers: ClinVar variation 2439102 (VCV002439102.8), dbSNP rs773553639, ClinGen allele CA397306364.
Genomic context (GRCh38, chr17:4,902,077, plus strand): 5'-GCCACGTCACGGAGCCGCCCTCGTAGACGAGCACGTTGGCGTCGTAGGCCACTCCGAACT[G>A]GCCATCAATACTGTGGGCTCGGGGAAACCGAGCTTTTTGCACAGGTCTGCACCCTCTCAG-3'

ClinVar aggregate classification (germline): Pathogenic/Likely pathogenic. Review status: criteria provided, multiple submitters, no conflicts (2 of 4 stars). 4 submissions from 4 submitters: Pathogenic (3); Likely pathogenic (1). Last evaluated 2025-05-02.

Conditions:
Congenital myasthenic syndrome (CMS). Also called: Congenital Myasthenic Syndromes. Identifiers: Orphanet 590, MedGen C0751882, MeSH D020294, MONDO:0018940.
Congenital myasthenic syndrome 4A. Also called: Myasthenic syndrome, congenital, 4a, slow-channel; CONGENITAL MYASTHENIC SYNDROME TYPE Ia1; MYASTHENIC SYNDROME, CONGENITAL, 4A, SLOW-CHANNEL, AUTOSOMAL RECESSIVE. Identifiers: Orphanet 590, MedGen C4225413, MONDO:0011600, OMIM 605809.

Submissions (4):

Natera, Inc.
Classification: Pathogenic for Congenital myasthenic syndrome. Last evaluated: 2025-05-02. Review status: criteria provided, single submitter. Criteria: Natera Variant Classification Schema (03/2026). Collection method: clinical testing. Allele origin: germline.
Comment: The c.355C>T variant in CHRNE is a nonsense variant predicted to introduce a stop codon at amino acid 119. This variant is expected to result in nonsense mediated decay, truncation, or a dysfunctional protein product. This variant is rare in the general population with a frequency below the threshold expected for the associated phenotype(s). This variant has been observed in one or more individuals affected with the associated recessive disease, as either homozygous or compound heterozygous with a second variant (PMID: 38696726). Given the available evidence, this variant is classified as Pathogenic.

Myriad Genetics, Inc.
Classification: Pathogenic for Congenital myasthenic syndrome. Last evaluated: 2024-05-15. Review status: criteria provided, single submitter. Criteria: Myriad Autosomal Dominant, Autosomal Recessive and X-Linked Classification Criteria (2023). Collection method: clinical testing. Allele origin: unknown.
Comment: NM_000080.3(CHRNE):c.355C>T(Q119*) is expected to be pathogenic in the context of congenital myasthenic syndrome, CHRNE-related. This variant is predicted to lead to an abnormal or absent protein product due to the creation of a premature termination codon in CHRNE, a gene where loss-of-function variants are known to be pathogenic. Please note: this variant was assessed in the context of healthy population screening.

Baylor Genetics
Classification: Pathogenic for Congenital myasthenic syndrome 4A. Last evaluated: 2024-03-14. Review status: criteria provided, single submitter. Criteria: ACMG Guidelines, 2015. Collection method: clinical testing. Allele origin: unknown.

Revvity Omics, Revvity
Classification: Likely pathogenic. Last evaluated: 2022-02-14. Review status: criteria provided, single submitter. Criteria: ACMG Guidelines, 2015. Collection method: clinical testing. Allele origin: germline.

Literature cited by the submitters: PubMed 38696726 (cited by Natera, Inc.).